The following is an entry in ClinVar:

ClinVar aggregate classification (germline): Benign/Likely benign. Review status: criteria provided, multiple submitters, no conflicts (2 of 4 stars). 2 submissions from 2 submitters: Benign (1); Likely benign (1). Last evaluated 2024-04-19.

Conditions:
Familial cancer of breast. Also called: Hereditary breast cancer; BREAST CANCER, FAMILIAL; hereditary breast carcinoma. Identifiers: Orphanet 227535, MedGen C0346153, MONDO:0016419, OMIM 114480. Disease mechanism: loss of function.
Ataxia-telangiectasia syndrome (AT). Also called: ATAXIA-TELANGIECTASIA, COMPLEMENTATION GROUP A; Ataxia telangiectasia (A-T); Ataxia-telangiectasia, complementation group E; Ataxia-telangiectasia; Cerebello-oculocutaneous telangiectasia; Immunodeficiency with ataxia telangiectasia. Identifiers: Orphanet 100, MedGen C0004135, MONDO:0008840, OMIM 208900.

Submissions (2):

Myriad Genetics, Inc.
Classification: Benign for Familial cancer of breast. Last evaluated: 2024-04-19. Review status: criteria provided, single submitter. Criteria: Myriad Autosomal Dominant, Autosomal Recessive and X-Linked Classification Criteria (2023). Collection method: clinical testing. Allele origin: unknown.
Comment: This variant is considered benign. This variant is a silent/synonymous amino acid change and it is not expected to impact splicing.

Labcorp Genetics (formerly Invitae), Labcorp
Classification: Likely benign for Ataxia-telangiectasia syndrome. Last evaluated: 2021-07-16. Review status: criteria provided, single submitter. Criteria: Invitae Variant Classification Sherloc (09022015). Collection method: clinical testing. Allele origin: germline.

NM_000051.4(ATM):c.438C>T (p.Leu146=)

Gene: ATM (ATM serine/threonine kinase; plus strand). Cytogenetic location: 11q22.3.
Variant type: single nucleotide variant.
Coding change: c.438C>T on transcript NM_000051.4 (MANE Select); coding-DNA position 438, C replaced by T.
Protein change: p.Leu146=; no amino-acid change (leucine 146 retained).
Molecular consequence: synonymous variant.
Genome position (GRCh38, 1-based): chr11:108,235,776, C>T. VCF-style: chr11-108235776-C-T. GRCh37 (hg19) VCF-style: chr11-108106503-C-T.
Other names: c.438C>T, p.Leu146= (NM_001351834.2).
Identifiers: ClinVar variation 1572183 (VCV001572183.9), dbSNP rs1591475272, ClinGen allele CA476670400.
Genomic context (GRCh38, chr11:108,235,776, plus strand): 5'-TACAGTGAAAGATTCATCTAATGGTGCTATTTACGGAGCTGATTGTAGCAACATACTACT[C>T]AAAGACATTCTTTCTGTGAGAAAATACTGGTGTGAAATATCTCAGCAACAGTGGTTAGGT-3'
Protein context (NP_000042.3, residues 136-156): IYGADCSNIL[Leu146=]KDILSVRKYW